The following is an entry in ClinVar:

NM_001805.4(CEBPE):c.721G>A (p.Ala241Thr)

Gene: CEBPE (CCAAT enhancer binding protein epsilon; minus strand). Cytogenetic location: 14q11.2.
Variant type: single nucleotide variant.
Coding change: c.721G>A on transcript NM_001805.4 (MANE Select); coding-DNA position 721, G replaced by A.
Protein change: p.Ala241Thr; replaces alanine 241 with threonine.
Molecular consequence: missense variant.
Genome position (GRCh38, 1-based): chr14:23,117,612, C>T on the plus strand (G>A on the coding strand, the complement: CEBPE is on the minus strand). VCF-style: chr14-23117612-C-T. GRCh37 (hg19) VCF-style: chr14-23586821-C-T.
Other names: short protein forms A241T.
Identifiers: ClinVar variation 1405865 (VCV001405865.8), dbSNP rs1310252768, ClinGen allele CA388951863.

ClinVar aggregate classification (germline): Uncertain significance (1 of 4 stars; one submission).

Conditions:
Specific granule deficiency. Identifiers: Orphanet 169142, MedGen C0398593, MONDO:0009506.

Allele frequency attached by ClinVar (database versions not stated): gnomAD exomes below 0.00001; gnomAD 0.00001.

Submission:

Labcorp Genetics (formerly Invitae), Labcorp
Classification: Uncertain significance for Specific granule deficiency. Last evaluated: 2022-07-12. Review status: criteria provided, single submitter. Criteria: Invitae Variant Classification Sherloc (09022015). Collection method: clinical testing. Allele origin: germline.
Comment: In summary, the available evidence is currently insufficient to determine the role of this variant in disease. Therefore, it has been classified as a Variant of Uncertain Significance. Algorithms developed to predict the effect of missense changes on protein structure and function are either unavailable or do not agree on the potential impact of this missense change (SIFT: "Tolerated"; PolyPhen-2: "Probably Damaging"; Align-GVGD: "Class C0"). ClinVar contains an entry for this variant (Variation ID: 1405865). This variant has not been reported in the literature in individuals affected with CEBPE-related conditions. This variant is present in population databases (no rsID available, gnomAD 0.007%). This sequence change replaces alanine, which is neutral and non-polar, with threonine, which is neutral and polar, at codon 241 of the CEBPE protein (p.Ala241Thr).